The following is an entry in ClinVar:

NM_021927.3(GUF1):c.1735G>T (p.Gly579Cys)

Gene: GUF1 (GTP binding elongation factor GUF1; plus strand). Cytogenetic location: 4p12.
Variant type: single nucleotide variant.
Coding change: c.1735G>T on transcript NM_021927.3 (MANE Select); coding-DNA position 1735, G replaced by T.
Protein change: p.Gly579Cys; replaces glycine 579 with cysteine.
Molecular consequence: missense variant. On other transcripts: intron variant (1).
Genome position (GRCh38, 1-based): chr4:44,695,634, G>T. VCF-style: chr4-44695634-G-T. GRCh37 (hg19) VCF-style: chr4-44697651-G-T.
Other names: c.763G>T, p.Gly255Cys (NM_001345867.2, NM_001345869.2); c.1715+1121G>T (NM_001345868.2); short protein forms G579C, G255C.
Identifiers: ClinVar variation 1358026 (VCV001358026.8), dbSNP rs1478461945, ClinGen allele CA356764755.
Genomic context (GRCh38, chr4:44,695,634, plus strand): 5'-CTTATTTAGGATATATAAACAGTTGTATTTTTCTGTCTCAGAGACAAAGCTCATTCAATT[G>T]GCAAAGCCATATGTGAACGGCTGAAGGATTCTCTTCCTAGGCAACTGTTTGAGATAGCAA-3'
Protein context (NP_068746.2, residues 569-589): VVHKDKAHSI[Gly579Cys]KAICERLKDS

ClinVar aggregate classification (germline): Uncertain significance (1 of 4 stars; one submission).

Allele frequency attached by ClinVar (database versions not stated): TOPMed below 0.00001; gnomAD 0.00001.
gnomAD v4.1: 2 of 1,611,364 alleles (0.00012%); highest among the groups gnomAD compares: African/African-American, 0.0013%; no homozygotes.

Submission:

Labcorp Genetics (formerly Invitae), Labcorp
Classification: Uncertain significance. Last evaluated: 2021-05-31. Review status: criteria provided, single submitter. Criteria: Invitae Variant Classification Sherloc (09022015). Collection method: clinical testing. Allele origin: germline.
Comment: In summary, the available evidence is currently insufficient to determine the role of this variant in disease. Therefore, it has been classified as a Variant of Uncertain Significance. Algorithms developed to predict the effect of missense changes on protein structure and function (SIFT, PolyPhen-2, Align-GVGD) all suggest that this variant is likely to be disruptive, but these predictions have not been confirmed by published functional studies and their clinical significance is uncertain. This variant has not been reported in the literature in individuals with GUF1-related conditions. This variant is not present in population databases (ExAC no frequency). This sequence change replaces glycine with cysteine at codon 579 of the GUF1 protein (p.Gly579Cys). The glycine residue is highly conserved and there is a large physicochemical difference between glycine and cysteine.